The following is an entry in ClinVar:

NM_000298.6(PKLR):c.506G>A (p.Gly169Glu)

Gene: PKLR (pyruvate kinase L/R; minus strand). Cytogenetic location: 1q22.
Variant type: single nucleotide variant.
Coding change: c.506G>A on transcript NM_000298.6 (MANE Select); coding-DNA position 506, G replaced by A.
Protein change: p.Gly169Glu; replaces glycine 169 with glutamic acid.
Molecular consequence: missense variant.
Genome position (GRCh38, 1-based): chr1:155,295,438, C>T on the plus strand (G>A on the coding strand, the complement: PKLR is on the minus strand). VCF-style: chr1-155295438-C-T. GRCh37 (hg19) VCF-style: chr1-155265229-C-T.
Other names: c.413G>A, p.Gly138Glu (NM_181871.4); short protein forms G138E, G169E.
Identifiers: ClinVar variation 4685929 (VCV004685929.1).

ClinVar aggregate classification (germline): Uncertain significance (1 of 4 stars; one submission).

gnomAD v4.1: 10 of 1,609,944 alleles (0.00062%); highest among the groups gnomAD compares: Admixed American, 0.014%; no homozygotes.

Submission:

ARUP Laboratories, Molecular Genetics and Genomics, ARUP Laboratories
Classification: Uncertain significance. Last evaluated: 2025-06-30. Review status: criteria provided, single submitter. Criteria: ARUP Molecular Germline Variant Investigation Process 2024. Collection method: clinical testing. Allele origin: germline.
Comment: The PKLR c.506G>A; p.Gly169Glu variant (rs762330662), to our knowledge, is not reported in the medical literature or gene specific databases. This variant is only observed on six alleles in the Genome Aggregation Database (v2.1.1), indicating it is not a common polymorphism. Computational analyses are uncertain whether this variant is neutral or deleterious (REVEL: 0.588). Due to limited information, the clinical significance of this variant is uncertain at this time.